The following is an entry in ClinVar:

ClinVar aggregate classification (germline): Pathogenic (1 of 4 stars; one submission).

Conditions:
Congenital myotonia, autosomal dominant form (THD). Also called: THOMSEN DISEASE; Myotonia congenita autosomal dominant. Identifiers: Orphanet 614, MedGen C2936781, MONDO:0008055, OMIM 160800.
Congenital myotonia, autosomal recessive form. Also called: BECKER DISEASE; Becker Generalized Myotonia; myotonia congenita, autosomal recessive. Identifiers: Orphanet 614, MedGen C0751360, MONDO:0009715, OMIM 255700.

Submission:

Labcorp Genetics (formerly Invitae), Labcorp
Classification: Pathogenic for Congenital myotonia, autosomal recessive form; Congenital myotonia, autosomal dominant form. Last evaluated: 2023-02-03. Review status: criteria provided, single submitter. Criteria: Invitae Variant Classification Sherloc (09022015). Collection method: clinical testing. Allele origin: germline.
Comment: Algorithms developed to predict the effect of sequence changes on RNA splicing suggest that this variant may disrupt the consensus splice site. This variant has not been reported in the literature in individuals affected with CLCN1-related conditions. This variant is not present in population databases (gnomAD no frequency). This sequence change creates a premature translational stop signal (p.Glu347Thrfs*41) in the CLCN1 gene. It is expected to result in an absent or disrupted protein product. Loss-of-function variants in CLCN1 are known to be pathogenic (PMID: 17932099, 22094069, 23739125). For these reasons, this variant has been classified as Pathogenic.

Literature cited by the submitters: PubMed 17932099; PubMed 22094069; PubMed 23739125.

NM_000083.3(CLCN1):c.1038_1039del (p.Glu347fs)

Gene: CLCN1 (chloride voltage-gated channel 1; plus strand). Cytogenetic location: 7q34.
Variant type: Deletion.
Coding change: c.1038_1039del on transcript NM_000083.3 (MANE Select); coding-DNA positions 1038 to 1039, 2 bases deleted (GG; older notation c.1038_1039delGG).
Protein change: p.Glu347fs; shifts the reading frame from glutamic acid 347.
Molecular consequence: frameshift variant. On other transcripts: non-coding transcript variant (1).
Genome position (GRCh38, 1-based): chr7:143,331,290-143,331,291, GG deleted. VCF-style (leftmost placement, unchanged base first): chr7-143331289-AGG-A. GRCh37 (hg19) VCF-style: chr7-143028382-AGG-A.
Other names: short protein forms E347fs.
Identifiers: ClinVar variation 2943472 (VCV002943472.3), dbSNP rs2487059186, ClinGen allele CA2740094907.